The following is an entry in ClinVar:

ClinVar aggregate classification (germline): Pathogenic. Review status: criteria provided, multiple submitters, no conflicts (2 of 4 stars). 2 submissions from 2 submitters: Pathogenic (2). Last evaluated 2025-02-15.

Conditions:
Familial adenomatous polyposis 1 (FAP1). Also called: FAMILIAL ADENOMATOUS POLYPOSIS 1, ATTENUATED; POLYPOSIS, ADENOMATOUS INTESTINAL. Identifiers: MedGen C2713442, MONDO:0021056, OMIM 175100. Disease mechanism: loss of function.

Submissions (2):

Labcorp Genetics (formerly Invitae), Labcorp
Classification: Pathogenic for Familial adenomatous polyposis 1. Last evaluated: 2025-02-15. Review status: criteria provided, single submitter. Criteria: Invitae Variant Classification Sherloc (09022015). Collection method: clinical testing. Allele origin: germline.
Comment: This sequence change creates a premature translational stop signal (p.Ser1282*) in the APC gene. While this is not anticipated to result in nonsense mediated decay, it is expected to disrupt the last 1562 amino acid(s) of the APC protein. This variant is not present in population databases (gnomAD no frequency). This premature translational stop signal has been observed in individual(s) with familial adenomatous polyposis (PMID: 20685668). ClinVar contains an entry for this variant (Variation ID: 844994). This variant is expected to disrupt the EB1 and HDLG binding sites, which mediate interactions with the cytoskeleton (PMID: 15311282, 17293347). While functional studies have not been performed to directly test the effect on APC protein function, this suggests that disruption of the C-terminal portion of the protein is functionally important. A different truncation (p.Tyr2645Lysfs*14) that lies downstream of this variant has been determined to be pathogenic (PMID: 9824584, 1316610, 27081525, 8381579, 22135120, internal data). This suggests that deletion of this region of the APC protein is causative of disease. For these reasons, this variant has been classified as Pathogenic.

Myriad Genetics, Inc.
Classification: Pathogenic for Familial adenomatous polyposis 1. Last evaluated: 2023-05-09. Review status: criteria provided, single submitter. Criteria: Myriad Autosomal Dominant, Autosomal Recessive and X-Linked Classification Criteria (2023). Collection method: clinical testing. Allele origin: unknown.
Comment: This variant is considered pathogenic. This variant creates a termination codon and is predicted to result in premature protein truncation.

Literature cited by the submitters: PubMed 20685668 (cited by Labcorp Genetics (formerly Invitae), Labcorp); PubMed 15311282 (cited by Labcorp Genetics (formerly Invitae), Labcorp); PubMed 17293347 (cited by Labcorp Genetics (formerly Invitae), Labcorp); PubMed 9824584 (cited by Labcorp Genetics (formerly Invitae), Labcorp); PubMed 1316610 (cited by Labcorp Genetics (formerly Invitae), Labcorp); PubMed 27081525 (cited by Labcorp Genetics (formerly Invitae), Labcorp); PubMed 8381579 (cited by Labcorp Genetics (formerly Invitae), Labcorp); PubMed 22135120 (cited by Labcorp Genetics (formerly Invitae), Labcorp).

NM_000038.6(APC):c.3845C>G (p.Ser1282Ter)

Gene: APC (APC regulator of Wnt signaling pathway; plus strand). Cytogenetic location: 5q22.2.
Variant type: single nucleotide variant.
Coding change: c.3845C>G on transcript NM_000038.6 (MANE Select); coding-DNA position 3845, C replaced by G.
Protein change: p.Ser1282Ter; replaces serine 1282 with a stop codon.
Molecular consequence: nonsense.
Genome position (GRCh38, 1-based): chr5:112,839,439, C>G. VCF-style: chr5-112839439-C-G. GRCh37 (hg19) VCF-style: chr5-112175136-C-G.
Other names: c.3845C>G, p.Ser1282Ter (NM_001127510.3, NM_001354895.2); c.3791C>G, p.Ser1264Ter (NM_001127511.3); c.3899C>G, p.Ser1300Ter (NM_001354896.2); c.3875C>G, p.Ser1292Ter (NM_001354897.2); c.3770C>G, p.Ser1257Ter (NM_001354898.2); c.3761C>G, p.Ser1254Ter (NM_001354899.2); c.3722C>G, p.Ser1241Ter (NM_001354900.2); c.3668C>G, p.Ser1223Ter (NM_001354901.2); and 5 more; short protein forms S1122*, S1223*, S1241*, S1254*, S1181*, S1282*, S999*, S1156*.
Identifiers: ClinVar variation 844994 (VCV000844994.10), dbSNP rs1765536690, ClinGen allele CA16029767.